The following is an entry in ClinVar:

ClinVar aggregate classification (germline): Benign/Likely benign. Review status: criteria provided, multiple submitters, no conflicts (2 of 4 stars). 3 submissions from 3 submitters: Benign (1); Likely benign (2). Last evaluated 2026-09-01.

Allele frequency attached by ClinVar (database versions not stated): gnomAD exomes 0.00006; ExAC 0.00017; ESP Exome Variant Server 0.00069; 1000 Genomes Project 30x 0.00078; gnomAD 0.00078; 1000 Genomes Project 0.00080; TOPMed 0.00087.
gnomAD v4.1: 205 of 1,602,268 alleles (0.013%); highest among the groups gnomAD compares: African/African-American, 0.27%; no homozygotes.

Submissions (3):

CeGaT Center for Human Genetics Tuebingen
Classification: Likely benign. Last evaluated: 2026-09-01. Review status: criteria provided, single submitter. Criteria: CeGaT Center For Human Genetics Tuebingen Variant Classification Criteria Version 2. Collection method: clinical testing. Allele origin: germline. Affected: yes. Observed: 1 variant allele.
Comment: IARS2: BP4, BP7

Labcorp Genetics (formerly Invitae), Labcorp
Classification: Benign. Last evaluated: 2025-10-14. Review status: criteria provided, single submitter. Criteria: Invitae Variant Classification Sherloc (09022015). Collection method: clinical testing. Allele origin: germline.

Mayo Clinic Laboratories, Mayo Clinic
Classification: Likely benign. Last evaluated: 2025-02-11. Review status: criteria provided, single submitter. Criteria: ACMG Guidelines, 2015. Collection method: clinical testing. Allele origin: germline. Observed: 1 variant allele.
Comment: BS1, BP4, BP7

NM_018060.4(IARS2):c.570A>C (p.Ala190=)

Gene: IARS2 (isoleucyl-tRNA synthetase 2, mitochondrial; plus strand). Cytogenetic location: 1q41.
Variant type: single nucleotide variant.
Coding change: c.570A>C on transcript NM_018060.4 (MANE Select); coding-DNA position 570, A replaced by C.
Protein change: p.Ala190=; no amino-acid change (alanine 190 retained).
Molecular consequence: synonymous variant.
Genome position (GRCh38, 1-based): chr1:220,102,148, A>C. VCF-style: chr1-220102148-A-C. GRCh37 (hg19) VCF-style: chr1-220275490-A-C.
Other names: p.Ala190=.
Identifiers: ClinVar variation 2070376 (VCV002070376.6), dbSNP rs148149998, ClinGen allele CA1401159.